The following is an entry in ClinVar:

NM_000492.4(CFTR):c.3218A>G (p.Tyr1073Cys)

Genes: CFTR (CF transmembrane conductance regulator; plus strand), CFTR-AS2 (CFTR antisense RNA 2; minus strand), LOC111674472 (DNase I hypersensitive sites in introns 16 and 17a of CFTR; plus strand). Cytogenetic location: 7q31.2.
Variant type: single nucleotide variant.
Coding change: c.3218A>G on transcript NM_000492.4 (MANE Select); coding-DNA position 3218, A replaced by G.
Protein change: p.Tyr1073Cys; replaces tyrosine 1073 with cysteine.
Molecular consequence: missense variant.
Genome position (GRCh38, 1-based): chr7:117,611,659, A>G. VCF-style: chr7-117611659-A-G. GRCh37 (hg19) VCF-style: chr7-117251713-A-G.
Other names: p.Tyr1073Cys; short protein forms Y1073C.
Identifiers: ClinVar variation 3381026 (VCV003381026.3).

ClinVar aggregate classification (germline): Likely pathogenic. Review status: criteria provided, multiple submitters, no conflicts (2 of 4 stars). 2 submissions from 2 submitters: Likely pathogenic (2). Last evaluated 2026-06-15.

Conditions:
Cystic fibrosis (CF). Also called: MUCOVISCIDOSIS. Identifiers: Orphanet 586, MedGen C0010674, MONDO:0009061, OMIM 219700. Disease mechanism: loss of function.

Submissions (2):

Women's Health and Genetics/Laboratory Corporation of America, LabCorp
Classification: Likely pathogenic for Cystic fibrosis. Last evaluated: 2026-06-15. Review status: criteria provided, single submitter. Criteria: LabCorp Variant Classification Summary - May 2015. Collection method: clinical testing. Allele origin: germline.
Comment: Variant summary: CFTR c.3218A>G (p.Tyr1073Cys) results in a non-conservative amino acid change in the encoded protein sequence. Algorithms developed to predict the effect of missense changes on protein structure and function all suggest that this variant is likely to be disruptive. The variant was absent in 251044 control chromosomes. c.3218A>G has been observed in the presumed compound heterozygous state in at least 1 individual(s) with negative sweat testing results who was given a genetic diagnosis of Cystic Fibrosis, without strong evidence for causality, in a negative newborn screening follow up study (Edmondson_2018). These report(s) do not provide unequivocal conclusions about association of the variant with CFTR-related conditions. At least one publication reports experimental evidence evaluating an impact on protein function in vitro. The most pronounced variant effect resulted in approximately 5.87% of normal chloride channel conductance relative to wild type (e.g., Bihler_2024). The following publications have been ascertained in the context of this evaluation (PMID: 29113966, 38388235, 25287046, 32357917, 25735457, 33557041). ClinVar contains an entry for this variant (Variation ID: 3381026). Based on the evidence outlined above, the variant was classified as likely pathogenic.

Mayo Clinic Laboratories, Mayo Clinic
Classification: Likely pathogenic. Last evaluated: 2024-08-29. Review status: criteria provided, single submitter. Criteria: ACMG Guidelines, 2015. Collection method: clinical testing. Allele origin: germline. Observed: 1 variant allele.
Comment: PP3, PM2, PS3

Literature cited by the submitters: PubMed 25735457 (cited by Women's Health and Genetics/Laboratory Corporation of America, LabCorp); PubMed 32357917 (cited by Women's Health and Genetics/Laboratory Corporation of America, LabCorp and Mayo Clinic Laboratories, Mayo Clinic); PubMed 38388235 (cited by Women's Health and Genetics/Laboratory Corporation of America, LabCorp and Mayo Clinic Laboratories, Mayo Clinic); PubMed 25287046 (cited by Women's Health and Genetics/Laboratory Corporation of America, LabCorp and Mayo Clinic Laboratories, Mayo Clinic); PubMed 33557041 (cited by Women's Health and Genetics/Laboratory Corporation of America, LabCorp and Mayo Clinic Laboratories, Mayo Clinic); PubMed 29113966 (cited by Women's Health and Genetics/Laboratory Corporation of America, LabCorp).